The following is an entry in ClinVar:

ClinVar aggregate classification (germline): Uncertain significance (1 of 4 stars; one submission).

Submission:

Labcorp Genetics (formerly Invitae), Labcorp
Classification: Uncertain significance. Last evaluated: 2022-02-10. Review status: criteria provided, single submitter. Criteria: Invitae Variant Classification Sherloc (09022015). Collection method: clinical testing. Allele origin: germline.
Comment: In summary, the available evidence is currently insufficient to determine the role of this variant in disease. Therefore, it has been classified as a Variant of Uncertain Significance. Algorithms developed to predict the effect of missense changes on protein structure and function (SIFT, PolyPhen-2, Align-GVGD) all suggest that this variant is likely to be tolerated. This variant has not been reported in the literature in individuals affected with ARHGEF1-related conditions. This variant is not present in population databases (gnomAD no frequency). This sequence change replaces glutamic acid, which is acidic and polar, with alanine, which is neutral and non-polar, at codon 857 of the ARHGEF1 protein (p.Glu857Ala).

NM_004706.4(ARHGEF1):c.2525A>C (p.Glu842Ala)

Gene: ARHGEF1 (Rho guanine nucleotide exchange factor 1; plus strand). Cytogenetic location: 19q13.2.
Variant type: single nucleotide variant.
Coding change: c.2525A>C on transcript NM_004706.4 (MANE Select); coding-DNA position 2525, A replaced by C.
Protein change: p.Glu842Ala; replaces glutamic acid 842 with alanine.
Molecular consequence: missense variant.
Genome position (GRCh38, 1-based): chr19:41,906,490, A>C. VCF-style: chr19-41906490-A-C. GRCh37 (hg19) VCF-style: chr19-42410642-A-C.
Other names: c.2426A>C, p.Glu809Ala (NM_198977.2); c.2570A>C, p.Glu857Ala (NM_199002.2); short protein forms E842A, E857A, E809A.
Identifiers: ClinVar variation 1465871 (VCV001465871.8), dbSNP rs2145871277, ClinGen allele CA406069491.